The following is an entry in ClinVar:

ClinVar aggregate classification (germline): Uncertain significance. Review status: criteria provided, multiple submitters, no conflicts (2 of 4 stars). 2 submissions from 2 submitters: Uncertain significance (2). Last evaluated 2025-11-10.

Conditions:
Cardiovascular phenotype. Identifiers: MedGen CN230736.
Hereditary cancer-predisposing syndrome. Also called: Neoplastic Syndromes, Hereditary; Tumor predisposition; Hereditary Cancer Syndrome; Hereditary neoplastic syndrome. Identifiers: Orphanet 140162, MedGen C0027672, MeSH D009386, MONDO:0015356.
Neurofibromatosis, type 1 (NF1). Also called: VON RECKLINGHAUSEN DISEASE; NEUROFIBROMATOSIS, TYPE I, SOMATIC; Neurofibromatosis, type I; Peripheral type neurofibromatosis. Identifiers: Orphanet 636, MedGen C0027831, MONDO:0018975, OMIM 162200. Disease mechanism: loss of function.

Allele frequency attached by ClinVar (database versions not stated): gnomAD exomes below 0.00001.
gnomAD v4.1: 1 of 1,613,968 alleles (0.000062%); highest among the groups gnomAD compares: Non-Finnish European, 0.000085%; no homozygotes.

Submissions (2):

Labcorp Genetics (formerly Invitae), Labcorp
Classification: Uncertain significance for Neurofibromatosis, type 1. Last evaluated: 2025-11-10. Review status: criteria provided, single submitter. Criteria: Invitae Variant Classification Sherloc (09022015). Collection method: clinical testing. Allele origin: germline.
Comment: This sequence change replaces glutamine, which is neutral and polar, with arginine, which is basic and polar, at codon 1378 of the NF1 protein (p.Gln1378Arg). This variant is not present in population databases (gnomAD no frequency). This variant has not been reported in the literature in individuals affected with NF1-related conditions. ClinVar contains an entry for this variant (Variation ID: 1738097). Invitae Evidence Modeling of protein sequence and biophysical properties (such as structural, functional, and spatial information, amino acid conservation, physicochemical variation, residue mobility, and thermodynamic stability) indicates that this missense variant is expected to disrupt NF1 protein function with a positive predictive value of 95%. In summary, the available evidence is currently insufficient to determine the role of this variant in disease. Therefore, it has been classified as a Variant of Uncertain Significance.

Ambry Genetics
Classification: Uncertain significance for Cardiovascular phenotype; Hereditary cancer-predisposing syndrome. Last evaluated: 2021-06-25. Review status: criteria provided, single submitter. Criteria: Ambry Variant Classification Scheme 2023. Collection method: clinical testing. Allele origin: germline.
Comment: The p.Q1378R variant (also known as c.4133A>G), located in coding exon 31 of the NF1 gene, results from an A to G substitution at nucleotide position 4133. The glutamine at codon 1378 is replaced by arginine, an amino acid with highly similar properties. This amino acid position is highly conserved in available vertebrate species. In addition, this alteration is predicted to be deleterious by in silico analysis. Since supporting evidence is limited at this time, the clinical significance of this alteration remains unclear.

NM_001042492.3(NF1):c.4196A>G (p.Gln1399Arg)

Gene: NF1 (neurofibromin 1; plus strand). Cytogenetic location: 17q11.2.
Variant type: single nucleotide variant.
Coding change: c.4196A>G on transcript NM_001042492.3 (MANE Select); coding-DNA position 4196, A replaced by G.
Protein change: p.Gln1399Arg; replaces glutamine 1399 with arginine.
Molecular consequence: missense variant.
Genome position (GRCh38, 1-based): chr17:31,258,366, A>G. VCF-style: chr17-31258366-A-G. GRCh37 (hg19) VCF-style: chr17-29585384-A-G.
Other names: c.4133A>G, p.Gln1378Arg (NM_000267.4); short protein forms Q1399R, Q1378R.
Identifiers: ClinVar variation 1738097 (VCV001738097.3), dbSNP rs2151461831, ClinGen allele CA398997591.